The following is an entry in ClinVar:

NM_001039111.3(TRIM71):c.2193T>C (p.Gly731=)

Gene: TRIM71 (tripartite motif containing 71; plus strand). Cytogenetic location: 3p22.3.
Variant type: single nucleotide variant.
Coding change: c.2193T>C on transcript NM_001039111.3 (MANE Select); coding-DNA position 2193, T replaced by C.
Protein change: p.Gly731=; no amino-acid change (glycine 731 retained).
Molecular consequence: synonymous variant.
Genome position (GRCh38, 1-based): chr3:32,891,397, T>C. VCF-style: chr3-32891397-T-C. GRCh37 (hg19) VCF-style: chr3-32932889-T-C.
Identifiers: ClinVar variation 4873617 (VCV004873617.2).

ClinVar aggregate classification (germline): Likely benign (1 of 4 stars; one submission).

gnomAD v4.1: 15 of 1,613,974 alleles (0.00093%); highest among the groups gnomAD compares: Admixed American, 0.022%; no homozygotes.

Submission:

CeGaT Center for Human Genetics Tuebingen
Classification: Likely benign. Last evaluated: 2026-05-01. Review status: criteria provided, single submitter. Criteria: CeGaT Center For Human Genetics Tuebingen Variant Classification Criteria Version 2. Collection method: clinical testing. Allele origin: germline. Affected: yes. Observed: 1 variant allele.
Comment: TRIM71: BP4, BP7